The following is an entry in ClinVar:

NM_007186.6(CEP250):c.6162G>T (p.Gln2054His)

Gene: CEP250 (centrosomal protein 250; plus strand). Cytogenetic location: 20q11.22.
Variant type: single nucleotide variant.
Coding change: c.6162G>T on transcript NM_007186.6 (MANE Select); coding-DNA position 6162, G replaced by T.
Protein change: p.Gln2054His; replaces glutamine 2054 with histidine.
Molecular consequence: missense variant.
Genome position (GRCh38, 1-based): chr20:35,504,531, G>T. VCF-style: chr20-35504531-G-T. GRCh37 (hg19) VCF-style: chr20-34092359-G-T.
Other names: c.6162G>T (NM_007186.3); c.4266G>T, p.Gln1422His (NM_001318219.1); short protein forms Q2054H, Q1422H.
Identifiers: ClinVar variation 1524128 (VCV001524128.5), dbSNP rs368365512, ClinGen allele CA9834013.

ClinVar aggregate classification (germline): Conflicting classifications of pathogenicity. Review status: criteria provided, conflicting classifications (1 of 4 stars). 3 submissions from 3 submitters: Uncertain significance (2); Likely benign (1). Last evaluated 2023-12-26.

Allele frequency attached by ClinVar (database versions not stated): gnomAD exomes 0.00004; ExAC 0.00006; ESP Exome Variant Server 0.00008; TOPMed 0.00017; gnomAD 0.00025 and 0.00026.

Submissions (3):

Ambry Genetics
Classification: Uncertain significance. Last evaluated: 2023-12-26. Review status: criteria provided, single submitter. Criteria: Ambry Variant Classification Scheme 2023. Collection method: clinical testing. Allele origin: germline.

Labcorp Genetics (formerly Invitae), Labcorp
Classification: Uncertain significance. Last evaluated: 2022-08-12. Review status: criteria provided, single submitter. Criteria: Invitae Variant Classification Sherloc (09022015). Collection method: clinical testing. Allele origin: germline.
Comment: This sequence change replaces glutamine, which is neutral and polar, with histidine, which is basic and polar, at codon 2054 of the CEP250 protein (p.Gln2054His). This variant is present in population databases (rs368365512, gnomAD 0.07%). This variant has not been reported in the literature in individuals affected with CEP250-related conditions. ClinVar contains an entry for this variant (Variation ID: 1524128). Algorithms developed to predict the effect of missense changes on protein structure and function output the following: SIFT: "Not Available"; PolyPhen-2: "Benign"; Align-GVGD: "Not Available". The histidine amino acid residue is found in multiple mammalian species, which suggests that this missense change does not adversely affect protein function. In summary, the available evidence is currently insufficient to determine the role of this variant in disease. Therefore, it has been classified as a Variant of Uncertain Significance.

Blueprint Genetics
Classification: Likely benign. Last evaluated: 2022-01-26. Review status: criteria provided, single submitter. Criteria: ACMG Guidelines, 2015. Collection method: clinical testing. Allele origin: germline.